The following is an entry in ClinVar:

NM_025179.4(PLXNA2):c.2359G>T (p.Gly787Cys)

Gene: PLXNA2 (plexin A2; minus strand). Cytogenetic location: 1q32.2.
Variant type: single nucleotide variant.
Coding change: c.2359G>T on transcript NM_025179.4 (MANE Select); coding-DNA position 2359, G replaced by T.
Protein change: p.Gly787Cys; replaces glycine 787 with cysteine.
Molecular consequence: missense variant.
Genome position (GRCh38, 1-based): chr1:208,082,448, C>A on the plus strand (G>T on the coding strand, the complement: PLXNA2 is on the minus strand). VCF-style: chr1-208082448-C-A. GRCh37 (hg19) VCF-style: chr1-208255793-C-A.
Other names: c.2359G>T (NM_025179.3); short protein forms G787C.
Identifiers: ClinVar variation 2875688 (VCV002875688.4), dbSNP rs765006161, ClinGen allele CA344553978.

ClinVar aggregate classification (germline): Uncertain significance. Review status: criteria provided, single submitter (1 of 4 stars). 2 submissions from 2 submitters: Uncertain significance (1). 1 of the submissions does not count toward it. Last evaluated 2023-09-09.

Conditions:
PLXNA2-related disorder. Also called: PLXNA2-related condition.

Allele frequency attached by ClinVar (database versions not stated): TOPMed 0.00001.
gnomAD v4.1: 5 of 1,614,092 alleles (0.00031%); highest among the groups gnomAD compares: Non-Finnish European, 0.00034%; no homozygotes.

Submissions (2):

Labcorp Genetics (formerly Invitae), Labcorp
Classification: Uncertain significance. Last evaluated: 2023-09-09. Review status: criteria provided, single submitter. Criteria: Invitae Variant Classification Sherloc (09022015). Collection method: clinical testing. Allele origin: germline.
Comment: In summary, the available evidence is currently insufficient to determine the role of this variant in disease. Therefore, it has been classified as a Variant of Uncertain Significance. Advanced modeling of protein sequence and biophysical properties (such as structural, functional, and spatial information, amino acid conservation, physicochemical variation, residue mobility, and thermodynamic stability) performed at Invitae indicates that this missense variant is expected to disrupt PLXNA2 protein function. This sequence change replaces glycine, which is neutral and non-polar, with cysteine, which is neutral and slightly polar, at codon 787 of the PLXNA2 protein (p.Gly787Cys). This variant is present in population databases (no rsID available, gnomAD 0.0009%). This variant has not been reported in the literature in individuals affected with PLXNA2-related conditions.

PreventionGenetics, part of Exact Sciences
Classification: Uncertain significance for PLXNA2-related condition. Last evaluated: 2024-04-11. Review status: no assertion criteria provided. Collection method: clinical testing. Allele origin: germline. Not counted in ClinVar's aggregate classification.
Comment: The PLXNA2 c.2359G>T variant is predicted to result in the amino acid substitution p.Gly787Cys. To our knowledge, this variant has not been reported in the literature. This variant is reported in 0.00088% of alleles in individuals of European (Non-Finnish) descent in gnomAD. At this time, the clinical significance of this variant is uncertain due to the absence of conclusive functional and genetic evidence.